The following is an entry in ClinVar:

ClinVar aggregate classification (germline): Likely benign. Review status: criteria provided, multiple submitters, no conflicts (2 of 4 stars). 2 submissions from 2 submitters: Likely benign (2). Last evaluated 2025-09-20.

Conditions:
Charcot-Marie-Tooth disease type 2. Also called: Charcot-Marie-Tooth type 2. Identifiers: Orphanet 64746, MedGen C0270914, MONDO:0018993.

Allele frequency attached by ClinVar (database versions not stated): gnomAD exomes 0.00002 and 0.00006; TOPMed 0.00002; ExAC 0.00003; gnomAD 0.00003 and 0.00004; ESP Exome Variant Server 0.00008.
gnomAD v4.1: 93 of 1,613,102 alleles (0.0058%); highest among the groups gnomAD compares: Non-Finnish European, 0.0078%; no homozygotes.

Submissions (2):

Labcorp Genetics (formerly Invitae), Labcorp
Classification: Likely benign for Charcot-Marie-Tooth disease type 2. Last evaluated: 2025-09-20. Review status: criteria provided, single submitter. Criteria: Invitae Variant Classification Sherloc (09022015). Collection method: clinical testing. Allele origin: germline.

CeGaT Center for Human Genetics Tuebingen
Classification: Likely benign. Last evaluated: 2023-12-01. Review status: criteria provided, single submitter. Criteria: CeGaT Center For Human Genetics Tuebingen Variant Classification Criteria Version 2. Collection method: clinical testing. Allele origin: germline. Affected: yes. Observed: 1 variant allele.
Comment: MED25: BP4, BP7

NM_030973.4(MED25):c.1335C>T (p.Pro445=)

Gene: MED25 (mediator complex subunit 25; plus strand). Cytogenetic location: 19q13.33.
Variant type: single nucleotide variant.
Coding change: c.1335C>T on transcript NM_030973.4 (MANE Select); coding-DNA position 1335, C replaced by T.
Protein change: p.Pro445=; no amino-acid change (proline 445 retained).
Molecular consequence: synonymous variant.
Genome position (GRCh38, 1-based): chr19:49,832,118, C>T. VCF-style: chr19-49832118-C-T. GRCh37 (hg19) VCF-style: chr19-50335375-C-T.
Other names: c.1335C>T, p.Pro445= (NM_001378355.1).
Identifiers: ClinVar variation 1077871 (VCV001077871.29), dbSNP rs372191174, ClinGen allele CA9585239.
Genomic context (GRCh38, chr19:49,832,118, plus strand): 5'-GGGCTGGCCCCCTCCTCACACCTCTCCTGGCATCGCCCCCAGGAAGACGGAGCAGTGGCC[C>T]CAGAAGCTGATCATGCAGCTCATCCCCCAGCAGCTGCTGGTGAGTGGCGGTGGAGGGCCA-3'
Protein context (NP_112235.2, residues 435-455): HGENLKTEQW[Pro445=]QKLIMQLIPQ